The following is an entry in ClinVar:

NM_014516.4(CNOT3):c.845C>T (p.Ser282Phe)

Gene: CNOT3 (CCR4-NOT transcription complex subunit 3; plus strand). Cytogenetic location: 19q13.42.
Variant type: single nucleotide variant.
Coding change: c.845C>T on transcript NM_014516.4 (MANE Select); coding-DNA position 845, C replaced by T.
Protein change: p.Ser282Phe; replaces serine 282 with phenylalanine.
Molecular consequence: missense variant. On other transcripts: non-coding transcript variant (2).
Genome position (GRCh38, 1-based): chr19:54,146,608, C>T. VCF-style: chr19-54146608-C-T. GRCh37 (hg19) VCF-style: chr19-54650344-C-T.
Other names: c.848C>T, p.Ser283Phe (NM_001440653.1, NM_001440655.1, NM_001440657.1 and 3 more transcripts); c.845C>T, p.Ser282Phe (NM_001440654.1, NM_001440656.1, NM_001440658.1 and 1 more transcripts); c.302C>T, p.Ser101Phe (NM_001440659.1, NM_001440660.1); short protein forms S101F, S282F, S283F.
Identifiers: ClinVar variation 4888435 (VCV004888435.3).

ClinVar aggregate classification (germline): Conflicting classifications of pathogenicity. Review status: criteria provided, conflicting classifications (1 of 4 stars). 3 submissions from 3 submitters: Uncertain significance (2); Likely benign (1). Last evaluated 2026-07-01.

Conditions:
Intellectual developmental disorder with speech delay, autism, and dysmorphic facies. Identifiers: MedGen C5231456, MONDO:0032864, OMIM 618672.

Submissions (3):

CeGaT Center for Human Genetics Tuebingen
Classification: Uncertain significance. Last evaluated: 2026-07-01. Review status: criteria provided, single submitter. Criteria: CeGaT Center For Human Genetics Tuebingen Variant Classification Criteria Version 2. Collection method: clinical testing. Allele origin: germline. Affected: yes. Observed: 1 variant allele.

MVZ Praenatalmedizin und Genetik Nuernberg
Classification: Uncertain significance for Intellectual developmental disorder with speech delay, autism, and dysmorphic facies. Last evaluated: 2026-04-08. Review status: criteria provided, single submitter. Criteria: ACMG Guidelines, 2015. Collection method: clinical testing. Allele origin: germline. Affected: yes.
Comment: It is not yet described in the ClinVar database. A literature search did not yield any additional information. Computer-based predictions (in silico) showed a pathogenic tendency for this variant. However, no functional analyses are available to date. In summary, based on the current data, we consider this to be a variant of uncertain clinical significance (VUS).

Blueprint Genetics
Classification: Likely benign. Last evaluated: 2023-11-08. Review status: criteria provided, single submitter. Criteria: ACMG Guidelines, 2015. Collection method: clinical testing. Allele origin: germline.